The following is an entry in ClinVar:

NM_004004.6(GJB2):c.-22-12C>T

Gene: GJB2 (gap junction protein beta 2; minus strand). Cytogenetic location: 13q12.11.
Variant type: single nucleotide variant.
Coding change: c.-22-12C>T on transcript NM_004004.6 (MANE Select); 12 bases into the intron before 22 bases upstream of the start codon, C replaced by T.
Molecular consequence: intron variant.
Genome position (GRCh38, 1-based): chr13:20,189,615, G>A on the plus strand (C>T on the coding strand, the complement: GJB2 is on the minus strand). VCF-style: chr13-20189615-G-A. GRCh37 (hg19) VCF-style: chr13-20763754-G-A.
Other names: c.-22-12C>T (NM_004004.5).
Identifiers: ClinVar variation 44717 (VCV000044717.41), dbSNP rs9578260, ClinGen allele CA134942.

ClinVar aggregate classification (germline): Benign. Review status: criteria provided, multiple submitters, no conflicts (2 of 4 stars). 14 submissions from 12 submitters: Benign (13). 1 of the submissions does not count toward it. Last evaluated 2025-03-16.

Conditions:
Nonsyndromic genetic hearing loss. Also called: Nonsyndromic hearing loss and deafness; Non-syndromic genetic deafness; Nonsyndromic genetic deafness. Identifiers: Orphanet 87884, MedGen C5680182, MONDO:0019497.
Autosomal recessive nonsyndromic hearing loss 1A (DFNB1A). Also called: Connexin 26 deafness; Deafness nonsyndromic, Connexin 26 linked; GJB6-Related DFNB 1 Nonsyndromic Hearing Loss and Deafness; Deafness, autosomal recessive 1A; Nonsyndromic Hearing Loss and Deafness, DFNB1; GJB2-Related Autosomal Recessive Nonsyndromic Hearing Loss. Identifiers: Orphanet 90636, MedGen C2673759, MONDO:0009076, OMIM 220290.
Ichthyosis, hystrix-like, with hearing loss. Also called: Hystrix-like ichthyosis with deafness. Identifiers: Orphanet 477, MedGen C1865234, MONDO:0011245.
Autosomal dominant nonsyndromic hearing loss 3A. Identifiers: Orphanet 90635, MedGen C2675750, MONDO:0011103, OMIM 601544.

Allele frequency attached by ClinVar (database versions not stated): gnomAD exomes 0.01774 and 0.00667; gnomAD 0.07478 and 0.06958; TOPMed 0.07863; ExAC 0.02129; 1000 Genomes Project 30x 0.07964; 1000 Genomes Project 0.07488; ESP Exome Variant Server 0.07977.
gnomAD v4.1: 20,557 of 1,576,854 alleles (1.3%); highest among the groups gnomAD compares: African/African-American, 24%; 2,205 homozygotes.

Submissions (14):

ARUP Laboratories, Molecular Genetics and Genomics, ARUP Laboratories
Classification: Benign. Last evaluated: 2025-03-16. Review status: criteria provided, single submitter. Criteria: ARUP Molecular Germline Variant Investigation Process 2024. Collection method: clinical testing. Allele origin: germline.

Blueprint Genetics
Classification: Benign. Last evaluated: 2024-11-27. Review status: criteria provided, single submitter. Criteria: ACMG Guidelines, 2015. Collection method: clinical testing. Allele origin: germline.

Labcorp Genetics (formerly Invitae), Labcorp
Classification: Benign. Last evaluated: 2024-05-22. Review status: criteria provided, single submitter. Criteria: Invitae Variant Classification Sherloc (09022015). Collection method: clinical testing. Allele origin: germline.

INGEBI, INGEBI / CONICET
Classification: Benign for Nonsyndromic hearing loss and deafness. Last evaluated: 2020-08-31. Review status: criteria provided, single submitter. Criteria: ClinGen HL ACMG Specifications v1. Collection method: clinical testing. Allele origin: germline. Inheritance: Autosomal recessive inheritance. Affected: yes. Observed: 1 variant allele, 1 heterozygote.
Comment: Based on ACMG/AMP guidelines and Hearing Loss Expert Panel specific criteria: the filtering allele frequency of the c.-22-2C>T variant in GJB2 gene is 23,4% in African population (5941/24866 alleles with 95%CI) in Genome Aggregation Database (calculated by using inverse allele frequency at an online resource). This is a high enough frequency, based on the thresholds defined by the ClinGen Hearing Loss Expert Panel, for autosomal recessive hearing loss variants to apply for BA1 rule. This high frequency is also supported by different publications in which controls subjects from different African populations were tested (PS4 not met, PMID: 27501294, 21392827). Benign computational prediction obtained from DANN, CADD and MaxEntScan predictors applying to BP4 rule. In summary, this variant meets criteria to be classified as benign for autosomal recessive non-syndromic hearing loss (BA1, BP4).

Illumina Laboratory Services, Illumina
Classification: Benign for Autosomal dominant keratitis-ichthyosis-hearing loss syndrome. Last evaluated: 2018-01-13. Review status: criteria provided, single submitter. Criteria: ICSL Variant Classification Criteria 13 December 2019. Collection method: clinical testing. Allele origin: germline.
Comment: This variant was observed in the ICSL laboratory as part of a predisposition screen in an ostensibly healthy population. It had not been previously curated by ICSL or reported in the Human Gene Mutation Database (HGMD: prior to June 1st, 2018), and was therefore a candidate for classification through an automated scoring system. Utilizing variant allele frequency, disease prevalence and penetrance estimates, and inheritance mode, an automated score was calculated to assess if this variant is too frequent to cause the disease. Based on the score and internal cut-off values, a variant classified as benign is not then subjected to further curation. The score for this variant resulted in a classification of benign for this disease.

Illumina Laboratory Services, Illumina
Classification: Benign for Autosomal dominant nonsyndromic hearing loss 3A. Last evaluated: 2018-01-13. Review status: criteria provided, single submitter. Criteria: ICSL Variant Classification Criteria 13 December 2019. Collection method: clinical testing. Allele origin: germline.
Comment: the same text as in the submission from Illumina Laboratory Services, Illumina above.

Illumina Laboratory Services, Illumina
Classification: Benign for Autosomal recessive nonsyndromic hearing loss 1A. Last evaluated: 2018-01-13. Review status: criteria provided, single submitter. Criteria: ICSL Variant Classification Criteria 13 December 2019. Collection method: clinical testing. Allele origin: germline.
Comment: the same text as in the submission from Illumina Laboratory Services, Illumina above.

Laboratory for Molecular Medicine, Mass General Brigham Personalized Medicine
Classification: Benign. Last evaluated: 2017-11-27. Review status: criteria provided, single submitter. Criteria: LMM Criteria. Collection method: clinical testing. Allele origin: germline. Observed: 35 variant alleles.
Comment: c.-22-12C>T in Intron 1 of GJB2: This variant is not expected to have clinical s ignificance because it has been identified in 24% (5729/23952) of African chromo somes by the Genome Aggregation Database (gnomAD; rg; dbSNP rs9578260). ACMG/AMP Criteria applied: BA1

Eurofins Ntd Llc (ga)
Classification: Benign. Last evaluated: 2017-06-21. Review status: criteria provided, single submitter. Criteria: EGL Classification Definitions 2015. Collection method: clinical testing. Allele origin: germline. Observed: 20 variant alleles, 13 heterozygotes, 7 homozygotes.

Center for Pediatric Genomic Medicine, Children's Mercy Hospital and Clinics
Classification: Benign. Last evaluated: 2016-07-22. Review status: criteria provided, single submitter. Criteria: ACMG Guidelines, 2015. Collection method: clinical testing. Allele origin: germline.

GeneDx
Classification: Benign. Last evaluated: 2015-03-03. Review status: criteria provided, single submitter. Criteria: GeneDx Variant Classification Process June 2021. Collection method: clinical testing. Allele origin: germline. Affected: yes.
Comment: This variant is associated with the following publications: (PMID: 33096615, 30245029, 15070423, 22567369, 25401782)

Breakthrough Genomics
Classification: Benign. Review status: criteria provided, single submitter. Criteria: ACMG Guidelines, 2015. Collection method: not provided. Allele origin: germline. Inheritance: Autosomal recessive inheritance. Affected: yes.

PreventionGenetics, part of Exact Sciences
Classification: Benign. Review status: criteria provided, single submitter. Criteria: ACMG Guidelines, 2015. Collection method: clinical testing. Allele origin: germline.

Natera, Inc.
Classification: Benign for Autosomal recessive deafness type 1A. Last evaluated: 2020-09-16. Review status: no assertion criteria provided. Collection method: clinical testing. Allele origin: germline. Not counted in ClinVar's aggregate classification.

Literature cited by the submitters: PubMed 27501294 (cited by INGEBI, INGEBI / CONICET); PubMed 21392827 (cited by INGEBI, INGEBI / CONICET).